The following is an entry in ClinVar:

ClinVar aggregate classification (germline): Likely benign. Review status: criteria provided, multiple submitters, no conflicts (2 of 4 stars). 2 submissions from 2 submitters: Likely benign (2). Last evaluated 2024-08-08.

Conditions:
Juvenile polyposis syndrome (JPS). Identifiers: Orphanet 2929, MedGen C0345893, MONDO:0017380, OMIM 174900.

Submissions (2):

Myriad Genetics, Inc.
Classification: Likely benign for Juvenile polyposis syndrome. Last evaluated: 2024-08-08. Review status: criteria provided, single submitter. Criteria: Myriad Autosomal Dominant, Autosomal Recessive and X-Linked Classification Criteria (2023). Collection method: clinical testing. Allele origin: unknown.
Comment: This variant is considered likely benign. This variant is intronic and is not expected to impact mRNA splicing.

Labcorp Genetics (formerly Invitae), Labcorp
Classification: Likely benign for Juvenile polyposis syndrome. Last evaluated: 2023-04-02. Review status: criteria provided, single submitter. Criteria: Invitae Variant Classification Sherloc (09022015). Collection method: clinical testing. Allele origin: germline.

NM_004329.3(BMPR1A):c.1473+7G>A

Gene: BMPR1A (bone morphogenetic protein receptor type 1A; plus strand). Cytogenetic location: 10q23.2.
Variant type: single nucleotide variant.
Coding change: c.1473+7G>A on transcript NM_004329.3 (MANE Select); 7 bases into the intron after coding-DNA position 1473, G replaced by A.
Molecular consequence: intron variant.
Genome position (GRCh38, 1-based): chr10:86,923,513, G>A. VCF-style: chr10-86923513-G-A. GRCh37 (hg19) VCF-style: chr10-88683270-G-A.
Identifiers: ClinVar variation 1995381 (VCV001995381.5), dbSNP rs2133622731, ClinGen allele CA2580082364.
Genomic context (GRCh38, chr10:86,923,513, plus strand): 5'-GTGTGTGTCAAACGTTTGCGGCCAATTGTGTCTAATCGGTGGAACAGTGATGAAGTGAGT[G>A]GAACTCAGTCCCCTGAAGAAGTGATTCGTAAATGCCACCAAATATATTCTCTGCTCACTG-3'